The following is an entry in ClinVar:

NM_001365902.3(NFIX):c.143T>C (p.Met48Thr)

Gene: NFIX (nuclear factor I X; plus strand). Cytogenetic location: 19p13.13.
Variant type: single nucleotide variant.
Coding change: c.143T>C on transcript NM_001365902.3 (MANE Select); coding-DNA position 143, T replaced by C.
Protein change: p.Met48Thr; replaces methionine 48 with threonine.
Molecular consequence: missense variant. On other transcripts: initiator codon variant (1).
Genome position (GRCh38, 1-based): chr19:13,025,136, T>C. VCF-style: chr19-13025136-T-C. GRCh37 (hg19) VCF-style: chr19-13135950-T-C.
Other names: c.167T>C, p.Met56Thr (NM_001271043.2); c.119T>C, p.Met40Thr (NM_001271044.3, NM_001378404.1); c.143T>C, p.Met48Thr (NM_001365982.2, NM_002501.4); c.2T>C, p.Met1Thr (NM_001365983.2); c.140T>C, p.Met47Thr (NM_001365984.2, NM_001365985.2); c.191T>C, p.Met64Thr (NM_001378405.1); short protein forms M1T, M40T, M47T, M56T, M48T, M64T.
Identifiers: ClinVar variation 653227 (VCV000653227.3), dbSNP rs1555696484, ClinGen allele CA404313332.

ClinVar aggregate classification (germline): Uncertain significance. Review status: criteria provided, single submitter (1 of 4 stars). 2 submissions from 2 submitters: Uncertain significance (1). 1 of the submissions does not count toward it. Last evaluated 2018-07-27.

Conditions:
Marshall-Smith syndrome (MRSHSS). Identifiers: Orphanet 561, MedGen C0265211, MONDO:0011244, OMIM 602535.
Malan overgrowth syndrome (MALNS). Also called: MALAN SYNDROME; NFIX-Related Malan Syndrome; Sotos syndrome 2. Identifiers: Orphanet 420179, MedGen C3553660, MONDO:0013885, OMIM 614753.

Submissions (2):

Labcorp Genetics (formerly Invitae), Labcorp
Classification: Uncertain significance for Sotos syndrome 2; Marshall-Smith syndrome. Last evaluated: 2018-07-27. Review status: criteria provided, single submitter. Criteria: Invitae Variant Classification Sherloc (09022015). Collection method: clinical testing. Allele origin: germline.
Comment: This sequence change replaces methionine with threonine at codon 56 of the NFIX protein (p.Met56Thr). The methionine residue is moderately conserved and there is a moderate physicochemical difference between methionine and threonine. This variant is not present in population databases (ExAC no frequency). This variant has not been reported in the literature in individuals with NFIX-related disease. Algorithms developed to predict the effect of missense changes on protein structure and function are either unavailable or do not agree on the potential impact of this missense change (SIFT: "Deleterious"; PolyPhen-2: "Not available"; Align-GVGD: "Class C0"). In summary, the available evidence is currently insufficient to determine the role of this variant in disease. Therefore, it has been classified as a Variant of Uncertain Significance.

Centre de Biologie Pathologie Génétique, Centre Hospitalier Universitaire de Lille
Classification: Likely pathogenic for Malan overgrowth syndrome. Last evaluated: 2020-01-01. Review status: no assertion criteria provided. Collection method: clinical testing. Allele origin: germline. Affected: yes. Not counted in ClinVar's aggregate classification.